The following is an entry in ClinVar:

NM_005222.4(DLX6):c.276_284dup (p.His94_His95insGlnHisHis)

Genes: DLX6 (distal-less homeobox 6; plus strand), DLX6-AS1 (DLX6 antisense RNA 1; minus strand). Cytogenetic location: 7q21.3.
Variant type: Duplication.
Coding change: c.276_284dup on transcript NM_005222.4 (MANE Select); coding-DNA positions 276 to 284, 9 bases duplicated (GCACCACCA; older notation c.276_284dupGCACCACCA).
Protein change: p.His94_His95insGlnHisHis.
Molecular consequence: inframe insertion.
Genome position (GRCh38, 1-based): chr7:97,006,253-97,006,261, GCACCACCA duplicated; duplicating any 9 consecutive bases within chr7:97,006,245-97,006,261 gives the same sequence; the c. name uses the placement nearest the transcript's 3' end. VCF-style (leftmost placement, unchanged base first): chr7-97006244-C-CCACCACCAG. GRCh37 (hg19) VCF-style: chr7-96635556-C-CCACCACCAG.
Identifiers: ClinVar variation 2909528 (VCV002909528.3), dbSNP rs2485491448, ClinGen allele CA576707930.

ClinVar aggregate classification (germline): Uncertain significance (1 of 4 stars; one submission).

Submission:

Labcorp Genetics (formerly Invitae), Labcorp
Classification: Uncertain significance. Last evaluated: 2023-11-27. Review status: criteria provided, single submitter. Criteria: Invitae Variant Classification Sherloc (09022015). Collection method: clinical testing. Allele origin: germline.
Comment: This variant, c.276_284dup, results in the insertion of 3 amino acid(s) of the DLX6 protein (p.Gln92_His94dup), but otherwise preserves the integrity of the reading frame. The frequency data for this variant in the population databases is considered unreliable, as metrics indicate poor data quality at this position in the gnomAD database. This variant has not been reported in the literature in individuals affected with DLX6-related conditions. In summary, the available evidence is currently insufficient to determine the role of this variant in disease. Therefore, it has been classified as a Variant of Uncertain Significance.